The following is an entry in ClinVar:

NM_001382422.1(EXOC3L2):c.2238C>T (p.Pro746=)

Genes: BLOC1S3 (biogenesis of lysosomal organelles complex 1 subunit 3; plus strand), EXOC3L2 (exocyst complex component 3 like 2; minus strand). Cytogenetic location: 19q13.32.
Variant type: single nucleotide variant.
Coding change: c.2238C>T on transcript NM_001382422.1 (MANE Select); coding-DNA position 2238, C replaced by T.
Protein change: p.Pro746=; no amino-acid change (proline 746 retained).
Molecular consequence: synonymous variant.
Genome position (GRCh38, 1-based): chr19:45,213,240, G>A on the plus strand (C>T on the coding strand, the complement: EXOC3L2 is on the minus strand). VCF-style: chr19-45213240-G-A. GRCh37 (hg19) VCF-style: chr19-45716498-G-A.
Identifiers: ClinVar variation 4681276 (VCV004681276.5).

ClinVar aggregate classification (germline): Likely benign (1 of 4 stars; one submission).

gnomAD v4.1: 13 of 1,613,148 alleles (0.00081%); highest among the groups gnomAD compares: Admixed American, 0.015%; no homozygotes.

Submission:

CeGaT Center for Human Genetics Tuebingen
Classification: Likely benign. Last evaluated: 2025-11-01. Review status: criteria provided, single submitter. Criteria: CeGaT Center For Human Genetics Tuebingen Variant Classification Criteria Version 2. Collection method: clinical testing. Allele origin: germline. Affected: yes. Observed: 1 variant allele.
Comment: EXOC3L2: BP4, BP7